The following is an entry in ClinVar:

NM_004629.2(FANCG):c.442G>A (p.Ala148Thr)

Gene: FANCG (FA complementation group G; minus strand). Cytogenetic location: 9p13.3.
Variant type: single nucleotide variant.
Coding change: c.442G>A on transcript NM_004629.2 (MANE Select); coding-DNA position 442, G replaced by A.
Protein change: p.Ala148Thr; replaces alanine 148 with threonine.
Molecular consequence: missense variant.
Genome position (GRCh38, 1-based): chr9:35,078,209, C>T on the plus strand (G>A on the coding strand, the complement: FANCG is on the minus strand). VCF-style: chr9-35078209-C-T. GRCh37 (hg19) VCF-style: chr9-35078206-C-T.
Other names: short protein forms A148T.
Identifiers: ClinVar variation 4841398 (VCV004841398.1).

ClinVar aggregate classification (germline): Uncertain significance (1 of 4 stars; one submission).

Conditions:
Inborn genetic diseases. Identifiers: MedGen C0950123, MeSH D030342.

Submission:

Ambry Genetics
Classification: Uncertain significance for Inborn genetic diseases. Last evaluated: 2025-12-16. Review status: criteria provided, single submitter. Criteria: Ambry Variant Classification Scheme 2023. Collection method: clinical testing. Allele origin: germline.
Comment: The p.A148T variant (also known as c.442G>A), located in coding exon 4 of the FANCG gene, results from a G to A substitution at nucleotide position 442. The alanine at codon 148 is replaced by threonine, an amino acid with similar properties. This amino acid position is conserved. In addition, the in silico prediction for this alteration is inconclusive. Based on the available evidence, the clinical significance of this variant remains unclear.